The following is an entry in ClinVar:

ClinVar aggregate classification (germline): Likely benign. Review status: criteria provided, multiple submitters, no conflicts (2 of 4 stars). 2 submissions from 2 submitters: Likely benign (2). Last evaluated 2025-11-19.

Conditions:
MYO5B-related disorder. Also called: MYO5B-related condition.

gnomAD v4.1: 17 of 1,613,492 alleles (0.0011%); highest among the groups gnomAD compares: South Asian, 0.018%; no homozygotes.

Submissions (2):

PreventionGenetics, part of Exact Sciences
Classification: Likely benign for MYO5B-related condition. Last evaluated: 2025-11-19. Review status: criteria provided, single submitter. Criteria: ACMG Guidelines, 2015. Collection method: clinical testing. Allele origin: germline.
Comment: This variant is classified as likely benign based on ACMG/AMP sequence variant interpretation guidelines (Richards et al. 2015 PMID: 25741868, with internal and published modifications).

Labcorp Genetics (formerly Invitae), Labcorp
Classification: Likely benign. Last evaluated: 2025-08-02. Review status: criteria provided, single submitter. Criteria: Invitae Variant Classification Sherloc (09022015). Collection method: clinical testing. Allele origin: germline.

NM_001080467.3(MYO5B):c.39C>A (p.Val13=)

Gene: MYO5B (myosin VB; minus strand). Cytogenetic location: 18q21.1.
Variant type: single nucleotide variant.
Coding change: c.39C>A on transcript NM_001080467.3 (MANE Select); coding-DNA position 39, C replaced by A.
Protein change: p.Val13=; no amino-acid change (valine 13 retained).
Molecular consequence: synonymous variant.
Genome position (GRCh38, 1-based): chr18:50,055,367, G>T on the plus strand (C>A on the coding strand, the complement: MYO5B is on the minus strand). VCF-style: chr18-50055367-G-T. GRCh37 (hg19) VCF-style: chr18-47581737-G-T.
Other names: c.39C>A (NM_001080467.2).
Identifiers: ClinVar variation 4697958 (VCV004697958.2).